The following is an entry in ClinVar:

NC_012920.1(MT-ND5):m.13768T>A

Gene: MT-ND5 (mitochondrially encoded NADH dehydrogenase 5; plus strand).
Variant type: single nucleotide variant.
Genome position: chrM-13768-T-A.
Identifiers: ClinVar variation 693605 (VCV000693605.1), dbSNP rs1556424325, ClinGen allele CA414819436.

ClinVar aggregate classification (germline): Likely benign (1 of 4 stars; one submission).

Conditions:
Leigh syndrome (NULS). Also called: Leigh's necrotizing encephalopathy; Leigh's disease; Leigh's syndrome; LEIGH SYNDROME, NUCLEAR; Leigh Syndrome (mtDNA deletion); Leigh Disease. Identifiers: Orphanet 506, MedGen C2931891, MONDO:0009723, OMIM 256000.

Submission:

Wong Mito Lab, Molecular and Human Genetics, Baylor College of Medicine
Classification: Likely benign for Leigh syndrome. Last evaluated: 2019-10-17. Review status: criteria provided, single submitter. Criteria: Modified ACMG Guidelines (Unpublished). Collection method: clinical testing. Allele origin: germline.
Comment: The NC_012920.1:m.13768T>A (YP_003024036.1:p.Phe478Ile) variant in MTND5 gene is interpretated to be a Likely Benign variant based on the modified ACMG guidelines (unpublished). This variant meets the following evidence codes: BS1, BP4